The following is an entry in ClinVar:

NM_000092.5(COL4A4):c.359dup (p.Leu120fs)

Gene: COL4A4 (collagen type IV alpha 4 chain; minus strand). Cytogenetic location: 2q36.3.
Variant type: Duplication.
Coding change: c.359dup on transcript NM_000092.5 (MANE Select); coding-DNA position 359, one base duplicated (T; older notation c.359dupT).
Protein change: p.Leu120fs; shifts the reading frame from leucine 120.
Molecular consequence: frameshift variant.
Genome position (GRCh38, 1-based): chr2:227,119,908, A duplicated on the plus strand (T on the coding strand, the reverse complement: COL4A4 is on the minus strand); the first of 3 consecutive A bases (chr2:227,119,908-227,119,910); duplicating any one gives the same sequence. VCF-style (leftmost placement, unchanged base first): chr2-227119907-T-TA. GRCh37 (hg19) VCF-style: chr2-227984623-T-TA.
Other names: short protein forms L120fs.
Identifiers: ClinVar variation 5011679 (VCV005011679.1).

ClinVar aggregate classification (germline): Pathogenic (1 of 4 stars; one submission).

Conditions:
Alport syndrome. Also called: Hemorrhagic familial nephritis; Hemorrhagic hereditary nephritis; Congenital hereditary hematuria. Identifiers: Orphanet 63, MedGen C1567741, MONDO:0018965.

Submission:

Myriad Genetics, Inc.
Classification: Pathogenic for Alport syndrome. Last evaluated: 2023-09-15. Review status: criteria provided, single submitter. Criteria: Myriad Autosomal Dominant, Autosomal Recessive and X-Linked Classification Criteria (2023). Collection method: clinical testing. Allele origin: unknown.
Comment: NM_000092.4(COL4A4):c.359dupT(L120Ffs*28) is expected to be pathogenic in the context of Alport syndrome, COL4A4-related. This variant is predicted to lead to an abnormal or absent protein product due to the creation of a premature termination codon in COL4A4, a gene where loss-of-function variants are known to be pathogenic. Please note: this variant was assessed in the context of healthy population screening.